The following is an entry in ClinVar:

NM_032043.3(BRIP1):c.1488T>C (p.Ala496=)

Gene: BRIP1 (BRCA1 interacting DNA helicase 1; minus strand). Cytogenetic location: 17q23.2.
Variant type: single nucleotide variant.
Coding change: c.1488T>C on transcript NM_032043.3 (MANE Select); coding-DNA position 1488, T replaced by C.
Protein change: p.Ala496=; no amino-acid change (alanine 496 retained).
Molecular consequence: synonymous variant.
Genome position (GRCh38, 1-based): chr17:61,784,410, A>G on the plus strand (T>C on the coding strand, the complement: BRIP1 is on the minus strand). VCF-style: chr17-61784410-A-G. GRCh37 (hg19) VCF-style: chr17-59861771-A-G.
Identifiers: ClinVar variation 819353 (VCV000819353.6), dbSNP rs1603337034, ClinGen allele CA501150817.

ClinVar aggregate classification (germline): Benign/Likely benign. Review status: criteria provided, multiple submitters, no conflicts (2 of 4 stars). 3 submissions from 3 submitters: Benign (1); Likely benign (2). Last evaluated 2024-08-28.

Conditions:
Familial cancer of breast. Also called: hereditary breast carcinoma; Hereditary breast cancer; BREAST CANCER, FAMILIAL. Identifiers: Orphanet 227535, MedGen C0346153, MONDO:0016419, OMIM 114480. Disease mechanism: loss of function.
Hereditary cancer-predisposing syndrome. Also called: Tumor predisposition; Hereditary neoplastic syndrome; Neoplastic Syndromes, Hereditary; Hereditary Cancer Syndrome. Identifiers: Orphanet 140162, MedGen C0027672, MeSH D009386, MONDO:0015356.

Allele frequency attached by ClinVar (database versions not stated): gnomAD exomes below 0.00001.
gnomAD v4.1: 2 of 1,613,244 alleles (0.00012%); highest among the groups gnomAD compares: Non-Finnish European, 0.00017%; no homozygotes.

Submissions (3):

Myriad Genetics, Inc.
Classification: Benign for Familial cancer of breast. Last evaluated: 2024-08-28. Review status: criteria provided, single submitter. Criteria: Myriad Autosomal Dominant, Autosomal Recessive and X-Linked Classification Criteria (2023). Collection method: clinical testing. Allele origin: unknown.
Comment: This variant is considered benign. This variant is a silent/synonymous amino acid change and it is not expected to impact splicing.

Color Diagnostics, LLC DBA Color Health
Classification: Likely benign for Hereditary cancer-predisposing syndrome. Last evaluated: 2024-02-12. Review status: criteria provided, single submitter. Criteria: ACMG Guidelines, 2015. Collection method: clinical testing. Allele origin: germline.

Ambry Genetics
Classification: Likely benign for Hereditary cancer-predisposing syndrome. Last evaluated: 2019-02-14. Review status: criteria provided, single submitter. Criteria: Ambry Variant Classification Scheme 2023. Collection method: clinical testing. Allele origin: germline.